The following is an entry in ClinVar:

NM_001009944.3(PKD1):c.9153C>T (p.Phe3051=)

Gene: PKD1 (polycystin 1, transient receptor potential channel interacting; minus strand). Cytogenetic location: 16p13.3.
Variant type: single nucleotide variant.
Coding change: c.9153C>T on transcript NM_001009944.3 (MANE Select); coding-DNA position 9153, C replaced by T.
Protein change: p.Phe3051=; no amino-acid change (phenylalanine 3051 retained).
Molecular consequence: synonymous variant.
Genome position (GRCh38, 1-based): chr16:2,102,429, G>A on the plus strand (C>T on the coding strand, the complement: PKD1 is on the minus strand). VCF-style: chr16-2102429-G-A. GRCh37 (hg19) VCF-style: chr16-2152430-G-A.
Other names: c.9153C>T, p.Phe3051= (NM_000296.4).
Identifiers: ClinVar variation 4682430 (VCV004682430.2).

ClinVar aggregate classification (germline): Benign/Likely benign. Review status: criteria provided, multiple submitters, no conflicts (2 of 4 stars). 2 submissions from 2 submitters: Benign (1); Likely benign (1). Last evaluated 2026-03-23.

gnomAD v4.1: 90 of 1,551,656 alleles (0.0058%); highest among the groups gnomAD compares: African/African-American, 0.074%; no homozygotes.

Submissions (2):

Women's Health and Genetics/Laboratory Corporation of America, LabCorp
Classification: Likely benign. Last evaluated: 2026-03-23. Review status: criteria provided, single submitter. Criteria: LabCorp Variant Classification Summary - May 2015. Collection method: clinical testing. Allele origin: germline.
Comment: Variant summary: PKD1 c.9153C>T alters a conserved nucleotide resulting in a synonymous change. Consensus agreement among computation tools predict no significant impact on normal splicing. However, these predictions have yet to be confirmed by functional studies. The variant allele was found at a frequency of 9e-05 in 155140 control chromosomes (gnomAD). This frequency is not significantly higher than estimated for disease-causing variants in PKD1, allowing no conclusion about variant significance. To our knowledge, no occurrence of c.9153C>T in individuals affected with PKD1-related conditions and no experimental evidence demonstrating its impact on protein function have been reported. ClinVar contains an entry for this variant (Variation ID: 4682430). Based on the evidence outlined above, the variant was classified as likely benign.

Athena Diagnostics
Classification: Benign. Last evaluated: 2025-10-22. Review status: criteria provided, single submitter. Criteria: Athena Diagnostics Criteria. Collection method: clinical testing. Allele origin: unknown.
Comment: The frequency of this variant in the general population is higher than would generally be expected for pathogenic variants in this gene. Computational tools yielded predictions that this variant is unlikely to have an effect on normal RNA splicing. This nucleotide position exhibits low evolutionary conservation.

Literature cited by the submitters: PubMed 40789101 (cited by Women's Health and Genetics/Laboratory Corporation of America, LabCorp).